The following is an entry in ClinVar:

ClinVar aggregate classification (germline): Uncertain significance (1 of 4 stars; one submission).

Submission:

Labcorp Genetics (formerly Invitae), Labcorp
Classification: Uncertain significance. Last evaluated: 2023-04-12. Review status: criteria provided, single submitter. Criteria: Invitae Variant Classification Sherloc (09022015). Collection method: clinical testing. Allele origin: germline.
Comment: This sequence change falls in intron 27 of the POLE gene. It does not directly change the encoded amino acid sequence of the POLE protein. It affects a nucleotide within the consensus splice site. This variant is not present in population databases (gnomAD no frequency). In summary, the available evidence is currently insufficient to determine the role of this variant in disease. Therefore, it has been classified as a Variant of Uncertain Significance. Variants that disrupt the consensus splice site are a relatively common cause of aberrant splicing (PMID: 17576681, 9536098). Algorithms developed to predict the effect of sequence changes on RNA splicing suggest that this variant may disrupt the consensus splice site. This variant has not been reported in the literature in individuals affected with POLE-related conditions.

Literature cited by the submitters: PubMed 17576681; PubMed 9536098.

NM_006231.4(POLE):c.3378+4_3378+7del

Gene: POLE (DNA polymerase epsilon, catalytic subunit; minus strand). Cytogenetic location: 12q24.33.
Variant type: Microsatellite.
Coding change: c.3378+4_3378+7del on transcript NM_006231.4 (MANE Select); bases 4 to 7 of the intron after coding-DNA position 3378, 4 bases deleted (AGTG; older notation c.3378+4_3378+7delAGTG).
Molecular consequence: splice donor variant.
Genome position (GRCh38, 1-based): chr12:132,657,861-132,657,864, CACT deleted on the plus strand (AGTG on the coding strand, the reverse complement: POLE is on the minus strand); deleting any 4 consecutive bases within chr12:132,657,861-132,657,868 gives the same sequence; the c. name uses the placement nearest the transcript's 3' end. VCF-style (leftmost placement, unchanged base first): chr12-132657860-GCACT-G. GRCh37 (hg19) VCF-style: chr12-133234446-GCACT-G.
Identifiers: ClinVar variation 2855444 (VCV002855444.3), dbSNP rs2542007155, ClinGen allele CA2739277434.